The following is an entry in ClinVar:

NM_020822.3(KCNT1):c.3211G>A (p.Asp1071Asn)

Gene: KCNT1 (potassium sodium-activated channel subfamily T member 1; plus strand). Cytogenetic location: 9q34.3.
Variant type: single nucleotide variant.
Coding change: c.3211G>A on transcript NM_020822.3 (MANE Select); coding-DNA position 3211, G replaced by A.
Protein change: p.Asp1071Asn; replaces aspartic acid 1071 with asparagine.
Molecular consequence: missense variant.
Genome position (GRCh38, 1-based): chr9:135,786,230, G>A. VCF-style: chr9-135786230-G-A. GRCh37 (hg19) VCF-style: chr9-138678076-G-A.
Other names: c.3076G>A, p.Asp1026Asn (NM_001272003.2); c.3211G>A (NM_020822.2); short protein forms D1026N, D1071N.
Identifiers: ClinVar variation 2446377 (VCV002446377.3), dbSNP rs2491104249, ClinGen allele CA375491504.

ClinVar aggregate classification (germline): Uncertain significance. Review status: criteria provided, multiple submitters, no conflicts (2 of 4 stars). 2 submissions from 2 submitters: Uncertain significance (2). Last evaluated 2025-06-09.

Conditions:
Developmental and epileptic encephalopathy, 14 (DEE14). Also called: Early infantile epileptic encephalopathy 14. Identifiers: Orphanet 293181, MedGen C3554195, MONDO:0013989, OMIM 614959.

Allele frequency attached by ClinVar (database versions not stated): gnomAD exomes below 0.00001.
gnomAD v4.1: 1 of 1,611,536 alleles (0.000062%); highest among the groups gnomAD compares: Non-Finnish European, 0.000085%; no homozygotes.

Submissions (2):

GeneDx
Classification: Uncertain significance. Last evaluated: 2025-06-09. Review status: criteria provided, single submitter. Criteria: GeneDx Variant Classification Process June 2021. Collection method: clinical testing. Allele origin: germline. Affected: yes.
Comment: Not observed at significant frequency in large population cohorts (gnomAD); In silico analysis suggests that this missense variant does not alter protein structure/function; This variant is associated with the following publications: (PMID: 38180615)

Laboratory of Human Genetics, Universidade de São Paulo
Classification: Uncertain significance for Developmental and epileptic encephalopathy, 14. Last evaluated: 2023-03-20. Review status: criteria provided, single submitter. Criteria: ACMG Guidelines, 2015. Collection method: research. Allele origin: paternal. Inheritance: Autosomal dominant inheritance. Affected: yes. Observed: 1 heterozygote.